The following is an entry in ClinVar:

NC_000008.10:g.(?_6500495)_(6500570_?)dup

Gene: MCPH1 (microcephalin 1; plus strand). Cytogenetic location: 8p23.1.
Variant type: Duplication.
Identifiers: ClinVar variation 1450738 (VCV001450738.3).

ClinVar aggregate classification (germline): Uncertain significance (1 of 4 stars; one submission).

Submission:

Labcorp Genetics (formerly Invitae), Labcorp
Classification: Uncertain significance. Last evaluated: 2021-04-19. Review status: criteria provided, single submitter. Criteria: Invitae Variant Classification Sherloc (09022015). Collection method: clinical testing. Allele origin: germline.
Comment: This variant results in a copy number gain of the genomic region encompassing exon(s) 14 of the MCPH1 gene. The 5' boundary is likely confined to intron 13. The 3' end of this event is unknown as it extends beyond the assayed region for this gene and therefore may encompass additional genes. As the precise location of this event is unknown, it may be in tandem or it may be located elsewhere in the genome. This variant has not been reported in the literature in individuals with MCPH1-related conditions. Experimental studies and prediction algorithms are not available or were not evaluated, and the functional significance of this variant is currently unknown. In summary, the available evidence is currently insufficient to determine the role of this variant in disease. Therefore, it has been classified as a Variant of Uncertain Significance.